The following is an entry in ClinVar:

NM_002878.4(RAD51D):c.437TCC[1] (p.Leu147del)

Genes: RAD51L3-RFFL (RAD51L3-RFFL readthrough; minus strand), RAD51D (RAD51 paralog D; minus strand). Cytogenetic location: 17q12.
Variant type: Microsatellite.
Coding change: c.437TCC[1] on transcript NM_002878.4 (MANE Select); one copy of the 3-base unit TCC starting at c.437; the reference has two copies in a row; one copy, 3 bases deleted.
Protein change: p.Leu147del; deletes leucine 147.
Molecular consequence: inframe deletion. On other transcripts: non-coding transcript variant (1), intron variant (1).
Genome position (GRCh38, 1-based): chr17:35,107,026-35,107,028, GGA deleted on the plus strand (TCC on the coding strand, the reverse complement: RAD51D is on the minus strand); deleting any 3 consecutive bases within chr17:35,107,026-35,107,033 gives the same sequence; the position shown is the placement nearest the transcript's 3' end. VCF-style (leftmost placement, unchanged base first): chr17-35107025-TGGA-T. GRCh37 (hg19) VCF-style: chr17-33434044-TGGA-T.
Other names: c.497TCC[1], p.Leu167del (NM_001142571.2); c.145-547_145-545del (NM_133629.3); c.440_442delTCC (NM_002878.3); short protein forms L147del, L167del.
Identifiers: ClinVar variation 472607 (VCV000472607.10), dbSNP rs1555568303, ClinGen allele CA658656583.

ClinVar aggregate classification (germline): Uncertain significance. Review status: criteria provided, multiple submitters, no conflicts (2 of 4 stars). 3 submissions from 3 submitters: Uncertain significance (3). Last evaluated 2023-06-22.

Conditions:
Hereditary cancer-predisposing syndrome. Also called: Neoplastic Syndromes, Hereditary; Tumor predisposition; Hereditary Cancer Syndrome; Hereditary neoplastic syndrome. Identifiers: Orphanet 140162, MedGen C0027672, MeSH D009386, MONDO:0015356.
Breast-ovarian cancer, familial, susceptibility to, 4. Identifiers: Orphanet 145, MedGen C3280345, MONDO:0013669, OMIM 614291.

Submissions (3):

Ambry Genetics
Classification: Uncertain significance for Hereditary cancer-predisposing syndrome. Last evaluated: 2023-06-22. Review status: criteria provided, single submitter. Criteria: Ambry Variant Classification Scheme 2023. Collection method: clinical testing. Allele origin: germline.
Comment: The c.440_442delTCC variant (also known as p.L147del) is located in coding exon 5 of the RAD51D gene. This variant results from an in-frame TCC deletion at nucleotide positions 440 to 442. This results in the in-frame deletion of a leucine at codon 147. This amino acid position is highly conserved in available vertebrate species. In addition, this alteration is predicted to be deleterious by in silico analysis (Choi Y et al. PLoS ONE. 2012; 7(10):e46688). Since supporting evidence is limited at this time, the clinical significance of this alteration remains unclear.

Color Diagnostics, LLC DBA Color Health
Classification: Uncertain significance for Hereditary cancer-predisposing syndrome. Last evaluated: 2019-04-03. Review status: criteria provided, single submitter. Criteria: ACMG Guidelines, 2015. Collection method: clinical testing. Allele origin: germline.

Labcorp Genetics (formerly Invitae), Labcorp
Classification: Uncertain significance for Breast-ovarian cancer, familial, susceptibility to, 4. Last evaluated: 2017-01-31. Review status: criteria provided, single submitter. Criteria: Invitae Variant Classification Sherloc (09022015). Collection method: clinical testing. Allele origin: germline.
Comment: This sequence change deletes 3 nucleotides from exon 5 of the RAD51D mRNA (c.440_442delTCC). This leads to the deletion of 1 amino acid residue in the RAD51D protein (p.Leu147del) but otherwise preserves the integrity of the reading frame. This variant is not present in population databases (ExAC no frequency) and has not been reported in the literature in individuals with a RAD51D-related disease. Experimental studies and prediction algorithms are not available for this variant, and the functional significance of the deleted amino acid is currently unknown. In summary, this is a novel in-frame deletion with uncertain impact on protein function. It has been classified as a Variant of Uncertain Significance.